The following is an entry in ClinVar:

ClinVar aggregate classification (germline): Uncertain significance (1 of 4 stars; one submission).

Conditions:
Dilated cardiomyopathy 1J (CMD1J). Also called: CARDIOMYOPATHY, DILATED, WITH SENSORINEURAL HEARING LOSS, AUTOSOMAL DOMINANT. Identifiers: Orphanet 217622, MedGen C1854368, MONDO:0011541, OMIM 605362.

Submission:

Labcorp Genetics (formerly Invitae), Labcorp
Classification: Uncertain significance for Dilated cardiomyopathy 1J. Last evaluated: 2021-05-18. Review status: criteria provided, single submitter. Criteria: Invitae Variant Classification Sherloc (09022015). Collection method: clinical testing. Allele origin: germline.
Comment: This sequence change falls in intron 19 of the EYA4 gene. It does not directly change the encoded amino acid sequence of the EYA4 protein. It affects a nucleotide within the consensus splice site of the intron. This variant is not present in population databases (ExAC no frequency). This variant has not been reported in the literature in individuals with EYA4-related conditions. Nucleotide substitutions within the consensus splice site are a relatively common cause of aberrant splicing (PMID: 17576681, 9536098). Algorithms developed to predict the effect of sequence changes on RNA splicing suggest that this variant is not likely to affect RNA splicing, but this prediction has not been confirmed by published transcriptional studies. In summary, the available evidence is currently insufficient to determine the role of this variant in disease. Therefore, it has been classified as a Variant of Uncertain Significance.

Literature cited by the submitters: PubMed 17576681; PubMed 9536098.

NM_004100.5(EYA4):c.1839+4A>C

Genes: EYA4 (EYA transcriptional coactivator and phosphatase 4; plus strand), TARID (TCF21 antisense RNA inducing promoter demethylation; minus strand). Cytogenetic location: 6q23.2.
Variant type: single nucleotide variant.
Coding change: c.1839+4A>C on transcript NM_004100.5 (MANE Select); 4 bases into the intron after coding-DNA position 1839, A replaced by C.
Molecular consequence: intron variant.
Genome position (GRCh38, 1-based): chr6:133,525,258, A>C. VCF-style: chr6-133525258-A-C. GRCh37 (hg19) VCF-style: chr6-133846396-A-C.
Other names: c.1857+4A>C (NM_001301013.2); c.1839+143A>C (NM_172105.4); c.1770+143A>C (NM_001370458.1); c.1770+4A>C (NM_172103.4); c.1695+4A>C (NM_001370459.1); c.1677+143A>C (NM_001301012.2).
Identifiers: ClinVar variation 1525870 (VCV001525870.6), dbSNP rs2128817661, ClinGen allele CA2573140566.